The following is an entry in ClinVar:

NM_000135.4(FANCA):c.2299C>G (p.Gln767Glu)

Gene: FANCA (FA complementation group A; minus strand). Cytogenetic location: 16q24.3.
Variant type: single nucleotide variant.
Coding change: c.2299C>G on transcript NM_000135.4 (MANE Select); coding-DNA position 2299, C replaced by G.
Protein change: p.Gln767Glu; replaces glutamine 767 with glutamic acid.
Molecular consequence: missense variant.
Genome position (GRCh38, 1-based): chr16:89,770,183, G>C on the plus strand (C>G on the coding strand, the complement: FANCA is on the minus strand). VCF-style: chr16-89770183-G-C. GRCh37 (hg19) VCF-style: chr16-89836591-G-C.
Other names: c.2299C>G, p.Gln767Glu (NM_001286167.3); short protein forms Q767E.
Identifiers: ClinVar variation 4254139 (VCV004254139.1).

ClinVar aggregate classification (germline): Uncertain significance (1 of 4 stars; one submission).

Conditions:
Inborn genetic diseases. Identifiers: MedGen C0950123, MeSH D030342.

Submission:

Ambry Genetics
Classification: Uncertain significance for Inborn genetic diseases. Last evaluated: 2025-06-21. Review status: criteria provided, single submitter. Criteria: Ambry Variant Classification Scheme 2023. Collection method: clinical testing. Allele origin: germline.
Comment: The p.Q767E variant (also known as c.2299C>G), located in coding exon 25 of the FANCA gene, results from a C to G substitution at nucleotide position 2299. The glutamine at codon 767 is replaced by glutamic acid, an amino acid with highly similar properties. This amino acid position is conserved. In addition, the in silico prediction for this alteration is inconclusive. Based on the available evidence, the clinical significance of this variant remains unclear.